The following is an entry in ClinVar:

ClinVar aggregate classification (germline): Conflicting classifications of pathogenicity. Review status: criteria provided, conflicting classifications (1 of 4 stars). 2 submissions from 2 submitters: Pathogenic (1); Uncertain significance (1). Last evaluated 2022-07-18.

Conditions:
Retinal dystrophy. Also called: Inherited retinal dystrophy. Identifiers: Orphanet 71862, MedGen C0854723, MeSH D058499, MONDO:0019118, HP:0000556.

Submissions (2):

Labcorp Genetics (formerly Invitae), Labcorp
Classification: Pathogenic. Last evaluated: 2022-07-18. Review status: criteria provided, single submitter. Criteria: Invitae Variant Classification Sherloc (09022015). Collection method: clinical testing. Allele origin: germline.
Comment: For these reasons, this variant has been classified as Pathogenic. This variant disrupts the p.Ala111 amino acid residue in RS1. Other variant(s) that disrupt this residue have been determined to be pathogenic (Invitae). This suggests that this residue is clinically significant, and that variants that disrupt this residue are likely to be disease-causing. Advanced modeling of protein sequence and biophysical properties (such as structural, functional, and spatial information, amino acid conservation, physicochemical variation, residue mobility, and thermodynamic stability) performed at Invitae indicates that this missense variant is expected to disrupt RS1 protein function. ClinVar contains an entry for this variant (Variation ID: 1453240). This missense change has been observed in individual(s) with retinoschisis (Invitae). This variant is not present in population databases (gnomAD no frequency). This sequence change replaces alanine, which is neutral and non-polar, with valine, which is neutral and non-polar, at codon 111 of the RS1 protein (p.Ala111Val).

Institute of Human Genetics, Univ. Regensburg, Univ. Regensburg
Classification: Uncertain significance for Retinal dystrophy. Last evaluated: 2022-01-01. Review status: criteria provided, single submitter. Criteria: ACMG Guidelines, 2015. Collection method: clinical testing. Allele origin: germline. Affected: yes.

Literature cited by the submitters: PubMed 34624300 (cited by Institute of Human Genetics, Univ. Regensburg, Univ. Regensburg).

NM_000330.4(RS1):c.332C>T (p.Ala111Val)

Genes: CDKL5 (cyclin dependent kinase like 5; plus strand), RS1 (retinoschisin 1; minus strand). Cytogenetic location: Xp22.13.
Variant type: single nucleotide variant.
Coding change: c.332C>T on transcript NM_000330.4 (MANE Select); coding-DNA position 332, C replaced by T.
Protein change: p.Ala111Val; replaces alanine 111 with valine.
Molecular consequence: missense variant. On other transcripts: intron variant (2).
Genome position (GRCh38, 1-based): chrX:18,644,620, G>A on the plus strand (C>T on the coding strand, the complement: RS1 is on the minus strand). VCF-style: chrX-18644620-G-A. GRCh37 (hg19) VCF-style: chrX-18662740-G-A.
Other names: c.2714-1387G>A (NM_003159.3, NM_001037343.2); short protein forms A111V.
Identifiers: ClinVar variation 1453240 (VCV001453240.7), dbSNP rs2147191414, ClinGen allele CA412372350.